The following is an entry in ClinVar:

ClinVar aggregate classification (germline): Benign/Likely benign. Review status: criteria provided, multiple submitters, no conflicts (2 of 4 stars). 5 submissions from 5 submitters: Benign (2); Likely benign (3). Last evaluated 2026-08-01.

Conditions:
Myopathy, congenital, with respiratory insufficiency and bone fractures. Identifiers: MedGen C5394189, MONDO:0032936, OMIM 618822.
Myopathy, congenital proximal, with minicore lesions. Identifiers: MedGen C5394193, MONDO:0032937, OMIM 618823.
FXR1-related condition.

Allele frequency attached by ClinVar (database versions not stated): ESP Exome Variant Server 0.00254; TOPMed 0.00257; 1000 Genomes Project 30x 0.00047; 1000 Genomes Project 0.00060; ExAC 0.00178; gnomAD exomes 0.00198 and 0.00239; gnomAD 0.00236 and 0.00249.

Submissions (5):

CeGaT Center for Human Genetics Tuebingen
Classification: Likely benign. Last evaluated: 2026-08-01. Review status: criteria provided, single submitter. Criteria: CeGaT Center For Human Genetics Tuebingen Variant Classification Criteria Version 2. Collection method: clinical testing. Allele origin: germline. Affected: yes. Observed: 5 variant alleles.
Comment: FXR1: BP4, BS2

PreventionGenetics, part of Exact Sciences
Classification: Likely benign for FXR1-related condition. Last evaluated: 2025-01-11. Review status: criteria provided, single submitter. Criteria: ACMG Guidelines, 2015. Collection method: clinical testing. Allele origin: germline.
Comment: This variant is classified as likely benign based on ACMG/AMP sequence variant interpretation guidelines (Richards et al. 2015 PMID: 25741868, with internal and published modifications).

Fulgent Genetics
Classification: Likely benign for Myopathy, congenital, with respiratory insufficiency and bone fractures; Myopathy, congenital proximal, with minicore lesions. Last evaluated: 2022-05-17. Review status: criteria provided, single submitter. Criteria: ACMG Guidelines, 2015. Collection method: clinical testing. Allele origin: unknown.

Labcorp Genetics (formerly Invitae), Labcorp
Classification: Benign. Last evaluated: 2018-06-08. Review status: criteria provided, single submitter. Criteria: Invitae Variant Classification Sherloc (09022015). Collection method: clinical testing. Allele origin: germline.

Breakthrough Genomics
Classification: Benign. Review status: criteria provided, single submitter. Criteria: ACMG Guidelines, 2015. Collection method: not provided. Allele origin: germline. Inheritance: Autosomal recessive inheritance. Affected: yes.

NM_005087.4(FXR1):c.52-7C>T

Gene: FXR1 (FMR1 autosomal homolog 1; plus strand). Cytogenetic location: 3q26.33.
Variant type: single nucleotide variant.
Coding change: c.52-7C>T on transcript NM_005087.4 (MANE Select); 7 bases into the intron before coding-DNA position 52, C replaced by T.
Molecular consequence: intron variant.
Genome position (GRCh38, 1-based): chr3:180,933,327, C>T. VCF-style: chr3-180933327-C-T. GRCh37 (hg19) VCF-style: chr3-180651115-C-T.
Other names: c.-204-7C>T (NM_001013439.3, NM_001363882.1); c.52-7C>T (NM_001013438.3).
Identifiers: ClinVar variation 729241 (VCV000729241.30), dbSNP rs202081242, ClinGen allele CA2716406.